The following is an entry in ClinVar:

NM_001164508.2(NEB):c.23016+1G>A

Genes: NEB (nebulin; minus strand), RIF1 (replication timing regulatory factor 1; plus strand). Cytogenetic location: 2q23.3.
Variant type: single nucleotide variant.
Coding change: c.23016+1G>A on transcript NM_001164508.2 (MANE Select); the canonical splice donor site of the intron after coding-DNA position 23016, G replaced by A.
Molecular consequence: splice donor variant.
Genome position (GRCh38, 1-based): chr2:151,514,817, C>T on the plus strand (G>A on the coding strand, the complement: NEB is on the minus strand). VCF-style: chr2-151514817-C-T. GRCh37 (hg19) VCF-style: chr2-152371331-C-T.
Other names: c.17913+1G>A (NM_004543.5); c.23016+1G>A (NM_001164507.2); c.23121+1G>A (NM_001271208.2).
Identifiers: ClinVar variation 1466087 (VCV001466087.7), dbSNP rs111833078, ClinGen allele CA57618706.

ClinVar aggregate classification (germline): Likely pathogenic. Review status: criteria provided, multiple submitters, no conflicts (2 of 4 stars). 2 submissions from 2 submitters: Likely pathogenic (2). Last evaluated 2024-03-12.

Conditions:
Nemaline myopathy 2 (NEM2). Also called: Nemaline myopathy 2, autosomal recessive. Identifiers: MedGen C1850569, MONDO:0009725, OMIM 256030.
Arthrogryposis multiplex congenita 6. Identifiers: MedGen C5543431, MONDO:0030281, OMIM 619334.

Allele frequency attached by ClinVar (database versions not stated): gnomAD exomes below 0.00001; gnomAD 0.00001; TOPMed 0.00001.
gnomAD v4.1: 7 of 1,559,586 alleles (0.00045%); highest among the groups gnomAD compares: Non-Finnish European, 0.00061%; no homozygotes.

Submissions (2):

Fulgent Genetics
Classification: Likely pathogenic for Nemaline myopathy 2; Arthrogryposis multiplex congenita 6. Last evaluated: 2024-03-12. Review status: criteria provided, single submitter. Criteria: ACMG Guidelines, 2015. Collection method: clinical testing. Allele origin: germline.

Labcorp Genetics (formerly Invitae), Labcorp
Classification: Likely pathogenic for Nemaline myopathy 2. Last evaluated: 2021-12-23. Review status: criteria provided, single submitter. Criteria: Invitae Variant Classification Sherloc (09022015). Collection method: clinical testing. Allele origin: germline.
Comment: In summary, the currently available evidence indicates that the variant is pathogenic, but additional data are needed to prove that conclusively. Therefore, this variant has been classified as Likely Pathogenic. Algorithms developed to predict the effect of sequence changes on RNA splicing suggest that this variant may disrupt the consensus splice site. This variant has not been reported in the literature in individuals affected with NEB-related conditions. This variant is not present in population databases (gnomAD no frequency). This sequence change affects a donor splice site in intron 159 of the NEB gene. It is expected to disrupt RNA splicing. Variants that disrupt the donor or acceptor splice site typically lead to a loss of protein function (PMID: 16199547), and loss-of-function variants in NEB are known to be pathogenic (PMID: 25205138).

Literature cited by the submitters: PubMed 16199547 (cited by Labcorp Genetics (formerly Invitae), Labcorp); PubMed 25205138 (cited by Labcorp Genetics (formerly Invitae), Labcorp).